The following is an entry in ClinVar:

GRCh37/hg19 4p16.3-16.1(chr4:1675467-10694991)x3

Genes: ABLIM2 (actin binding LIM protein family member 2; minus strand), ACOX3 (acyl-CoA oxidase 3, pristanoyl; minus strand), ADD1 (adducin 1; plus strand), ADRA2C (adrenoceptor alpha 2C; plus strand), AFAP1 (actin filament associated protein 1; minus strand) and 88 more. Cytogenetic location: 4p16.3-16.1.
Variant type: copy number gain.
Change: copy number 3 (three copies instead of two) of chr4:1,675,467-10,694,991 (9.02 Mb, GRCh37 coordinates, 1-based), cytogenetic band 4p16.3-16.1.
Identifiers: ClinVar variation 4682604 (VCV004682604.1).

ClinVar aggregate classification (germline): Likely pathogenic (1 of 4 stars; one submission).

Submission:

Quest Diagnostics Nichols Institute San Juan Capistrano
Classification: Likely pathogenic. Last evaluated: 2024-11-12. Review status: criteria provided, single submitter. Criteria: ACMG/ClinGen CNV Guidelines, 2019. Collection method: clinical testing. Allele origin: unknown.
Comment: This copy number gain involves at least 70 protein-coding genes and partially overlaps the 4p16.3 terminal Wolf-Hirschhorn syndrome region (OMIM 194190; ISCA-37429). Similar duplications have been reported in individuals with a range of phenotypic features (Bacchelli 2020, Carmany 2011, Cucinotta 2023, Cyr 2011, Di Gregorio 2017, Hannes 2010, Palumbo 2015,). There are no similar copy number gains spanning this region in the general populations of the Database of Genomic Variants. Thus, based on current medical literature and gene content, this copy number variant (CNV) is classified as likely pathogenic. References: Bacchelli et al., Sci Rep. 2020 Feb 21;10(1):3198. PMID: 32081867 Carmany et al., Am J Med Genet A. 2011 Apr;155A(4):819-24. PMID: 21412978 Cucinotta et al., Mol Genet Genomic Med. 2023 Aug;11(8):e2182. PMID: 37186221 Cyr et al., Am J Med Genet A. 2011 Sep;155A(9):2224-8. PMID: 21815251 Di Gregorio et al., Clin Genet. 2017 Oct;92(4):415-422. PMID: 28295210 Hannes et al., Eur J Med Genet. May-Jun 2010;53(3):136-40. PMID: 20197130 Palumbo et al., Mol Cytogenet. 2015 Feb 28;8:15. PMID: 25774220